The following is an entry in ClinVar:

NM_003900.5(SQSTM1):c.98C>G (p.Ala33Gly)

Gene: SQSTM1 (sequestosome 1; plus strand). Cytogenetic location: 5q35.3.
Variant type: single nucleotide variant.
Coding change: c.98C>G on transcript NM_003900.5 (MANE Select); coding-DNA position 98, C replaced by G.
Protein change: p.Ala33Gly; replaces alanine 33 with glycine.
Molecular consequence: missense variant. On other transcripts: intron variant (2).
Genome position (GRCh38, 1-based): chr5:179,821,034, C>G. VCF-style: chr5-179821034-C-G. GRCh37 (hg19) VCF-style: chr5-179248034-C-G.
Other names: p.Ala33Gly; c.-47-1924C>G (NM_001142298.2, NM_001142299.2); short protein forms A33G.
Identifiers: ClinVar variation 2086168 (VCV002086168.5), dbSNP rs200396166, ClinGen allele CA362442356.

ClinVar aggregate classification (germline): Uncertain significance. Review status: criteria provided, multiple submitters, no conflicts (2 of 4 stars). 2 submissions from 2 submitters: Uncertain significance (2). Last evaluated 2025-12-18.

Conditions:
Frontotemporal dementia and/or amyotrophic lateral sclerosis 1 (FTDALS1). Also called: C9orf72 Frontotemporal Dementia and/or Amyotrophic Lateral Sclerosis; Frontotemporal dementia with motor neuron disease 1. Identifiers: Orphanet 275872, MedGen C5779877, MONDO:0007105, OMIM 105550.
Paget disease of bone 2, early-onset (PDB2). Also called: Paget disease of bone 2. Identifiers: MedGen C4085251, MONDO:0011183, OMIM 602080.

gnomAD v4.1: 1 of 1,554,856 alleles (0.000064%); highest among the groups gnomAD compares: African/African-American, 0.0014%; no homozygotes.

Submissions (2):

Labcorp Genetics (formerly Invitae), Labcorp
Classification: Uncertain significance for Paget disease of bone 2, early-onset; Frontotemporal dementia and/or amyotrophic lateral sclerosis 1. Last evaluated: 2025-12-18. Review status: criteria provided, single submitter. Criteria: Invitae Variant Classification Sherloc (09022015). Collection method: clinical testing. Allele origin: germline.
Comment: This sequence change replaces alanine, which is neutral and non-polar, with glycine, which is neutral and non-polar, at codon 33 of the SQSTM1 protein (p.Ala33Gly). This variant is present in population databases (no rsID available, gnomAD 0.02%). This variant has not been reported in the literature in individuals affected with SQSTM1-related conditions. ClinVar contains an entry for this variant (Variation ID: 2086168). An algorithm developed to predict the effect of missense changes on protein structure and function (PolyPhen-2) suggests that this variant is likely to be tolerated. In summary, the available evidence is currently insufficient to determine the role of this variant in disease. Therefore, it has been classified as a Variant of Uncertain Significance.

Mayo Clinic Laboratories, Mayo Clinic
Classification: Uncertain significance. Last evaluated: 2024-01-11. Review status: criteria provided, single submitter. Criteria: ACMG Guidelines, 2015. Collection method: clinical testing. Allele origin: germline. Observed: 1 variant allele.
Comment: BP4